The following is an entry in ClinVar:

ClinVar aggregate classification (germline): Uncertain significance (1 of 4 stars; one submission).

Conditions:
Combined immunodeficiency due to DOCK8 deficiency (HIES2). Also called: DOCK8 Deficiency; HIES autosomal recessive; Hyper-IgE recurrent infection syndrome, autosomal recessive; HYPER-IgE RECURRENT INFECTION SYNDROME 2, AUTOSOMAL RECESSIVE; HYPER-IgE SYNDROME 2, AUTOSOMAL RECESSIVE, WITH RECURRENT INFECTIONS. Identifiers: Orphanet 217390, MedGen C4722305, MONDO:0009478, OMIM 243700.

Allele frequency attached by ClinVar (database versions not stated): ExAC 0.00001; gnomAD 0.00001; TOPMed 0.00002; 1000 Genomes Project 30x 0.00016; 1000 Genomes Project 0.00020.
gnomAD v4.1: 13 of 1,613,924 alleles (0.00081%); highest among the groups gnomAD compares: South Asian, 0.0011%; no homozygotes.

Submission:

Labcorp Genetics (formerly Invitae), Labcorp
Classification: Uncertain significance for Combined immunodeficiency due to DOCK8 deficiency. Last evaluated: 2020-01-31. Review status: criteria provided, single submitter. Criteria: Invitae Variant Classification Sherloc (09022015). Collection method: clinical testing. Allele origin: germline.
Comment: This variant is present in population databases (rs113165814, ExAC 0.001%). In summary, the available evidence is currently insufficient to determine the role of this variant in disease. Therefore, it has been classified as a Variant of Uncertain Significance. Algorithms developed to predict the effect of missense changes on protein structure and function output the following: SIFT: "Deleterious"; PolyPhen-2: "Benign"; Align-GVGD: "Class C0". The asparagine amino acid residue is found in multiple mammalian species, suggesting that this missense change does not adversely affect protein function. These predictions have not been confirmed by published functional studies and their clinical significance is uncertain. This variant has not been reported in the literature in individuals with DOCK8-related conditions. This sequence change replaces aspartic acid with asparagine at codon 90 of the DOCK8 protein (p.Asp90Asn). The aspartic acid residue is highly conserved and there is a small physicochemical difference between aspartic acid and asparagine.

NM_203447.4(DOCK8):c.268G>A (p.Asp90Asn)

Genes: DOCK8 (dedicator of cytokinesis 8; plus strand), LOC126860552 (BRD4-independent group 4 enhancer GRCh37_chr9:285795-286994; plus strand). Cytogenetic location: 9p24.3.
Variant type: single nucleotide variant.
Coding change: c.268G>A on transcript NM_203447.4 (MANE Select); coding-DNA position 268, G replaced by A.
Protein change: p.Asp90Asn; replaces aspartic acid 90 with asparagine.
Molecular consequence: missense variant.
Genome position (GRCh38, 1-based): chr9:286,572, G>A. VCF-style: chr9-286572-G-A. GRCh37 (hg19) VCF-style: chr9-286572-G-A.
Other names: c.64G>A, p.Asp22Asn (NM_001190458.2, NM_001193536.2); short protein forms D22N, D90N.
Identifiers: ClinVar variation 1053123 (VCV001053123.14), dbSNP rs113165814, ClinGen allele CA4957148.
Genomic context (GRCh38, chr9:286,572, plus strand): 5'-ACACACCTGAACAGCCTGGATGTGCAGCTTGCCCAGGAGCTCGGGGACTTCACTGATGAC[G>A]ACTTGGACGTGGTGTTCACGCCAAAGGAATGTAGGACTTTGCAGCCCTCTTTGCCGGAGG-3'
Protein context (NP_982272.2, residues 80-100): AQELGDFTDD[Asp90Asn]LDVVFTPKEC